The following is an entry in ClinVar:

NM_001134363.3(RBM20):c.818_826del (p.Asp273_Gln275del)

Gene: RBM20 (RNA binding motif protein 20; plus strand). Cytogenetic location: 10q25.2.
Variant type: Deletion.
Coding change: c.818_826del on transcript NM_001134363.3 (MANE Select); coding-DNA positions 818 to 826, 9 bases deleted (ATGGTCAAG; older notation c.818_826delATGGTCAAG).
Protein change: p.Asp273_Gln275del.
Molecular consequence: inframe deletion.
Genome position (GRCh38, 1-based): chr10:110,781,427-110,781,435, ATGGTCAAG deleted; deleting any 9 consecutive bases within chr10:110,781,426-110,781,435 gives the same sequence; the c. name uses the placement nearest the transcript's 3' end. VCF-style (leftmost placement, unchanged base first): chr10-110781425-GGATGGTCAA-G. GRCh37 (hg19) VCF-style: chr10-112541183-GGATGGTCAA-G.
Identifiers: ClinVar variation 4863066 (VCV004863066.1).

ClinVar aggregate classification (germline): Uncertain significance (1 of 4 stars; one submission).

Conditions:
Cardiovascular phenotype. Identifiers: MedGen CN230736.

Submission:

Ambry Genetics
Classification: Uncertain significance for Cardiovascular phenotype. Last evaluated: 2026-04-17. Review status: criteria provided, single submitter. Criteria: Ambry Variant Classification Scheme 2023. Collection method: clinical testing. Allele origin: germline.
Comment: The c.818_826delATGGTCAAG variant (also known as p.D273_Q275del) is located in coding exon 2 of the RBM20 gene. This variant results from an in-frame ATGGTCAAG deletion at nucleotide positions 818 to 826. This results in the in-frame deletion of a at codon 273. This amino acid region ranges from well conserved to not well conserved in available vertebrate species. In addition, this variant is predicted to be deleterious by in silico analysis (Choi Y et al. PLoS ONE. 2012; 7(10):e46688). Based on the available evidence, the clinical significance of this variant remains unclear.